The following is an entry in ClinVar:

NM_001887.4(CRYBB1):c.307G>C (p.Ala103Pro)

Genes: CRYBA4 (crystallin beta A4; plus strand), CRYBB1 (crystallin beta B1; minus strand). Cytogenetic location: 22q12.1.
Variant type: single nucleotide variant.
Coding change: c.307G>C on transcript NM_001887.4 (MANE Select); coding-DNA position 307, G replaced by C.
Protein change: p.Ala103Pro; replaces alanine 103 with proline.
Molecular consequence: missense variant.
Genome position (GRCh38, 1-based): chr22:26,608,014, C>G on the plus strand (G>C on the coding strand, the complement: CRYBB1 is on the minus strand). VCF-style: chr22-26608014-C-G. GRCh37 (hg19) VCF-style: chr22-27003978-C-G.
Other names: short protein forms A103P.
Identifiers: ClinVar variation 1310374 (VCV001310374.2), dbSNP rs757351043, ClinGen allele CA411031111.
Genomic context (GRCh38, chr22:26,608,014, plus strand): 5'-GAGGGTACTCGCCCTTCTCCAGGATGAACATCTCCCCGCGGAAGTTGGACTGCTCAAAGG[C>G]GACCCAGCTGGATACAAGAAGGACCATGAGGCAGACAGGAGACATATGGTTAGTAGAAGC-3'
Protein context (NP_001878.1, residues 93-113): SIIVSAGPWV[Ala103Pro]FEQSNFRGEM

ClinVar aggregate classification (germline): Uncertain significance (1 of 4 stars; one submission).

Submission:

GeneDx
Classification: Uncertain significance. Last evaluated: 2019-11-22. Review status: criteria provided, single submitter. Criteria: GeneDx Variant Classification Process June 2021. Collection method: clinical testing. Allele origin: germline. Affected: yes.
Comment: Not observed in large population cohorts (Lek et al., 2016); In silico analysis, which includes protein predictors and evolutionary conservation, supports a deleterious effect; Has not been previously published as pathogenic or benign to our knowledge